The following is an entry in ClinVar:

ClinVar aggregate classification (germline): Pathogenic (1 of 4 stars; one submission).

Conditions:
Lynch syndrome 5 (LYNCH5). Also called: Colorectal cancer, hereditary nonpolyposis, type 5; Hereditary non-polyposis colorectal cancer, type 5. Identifiers: Orphanet 144, MedGen C1833477, MONDO:0013710, OMIM 614350. Disease mechanism: loss of function.

Submission:

Myriad Genetics, Inc.
Classification: Pathogenic for Lynch syndrome 5. Last evaluated: 2023-08-25. Review status: criteria provided, single submitter. Criteria: Myriad Autosomal Dominant, Autosomal Recessive and X-Linked Classification Criteria (2023). Collection method: clinical testing. Allele origin: unknown.
Comment: This variant is considered pathogenic. This variant creates a frameshift predicted to result in premature protein truncation.

NM_000179.3(MSH6):c.3726dup (p.Thr1243fs)

Gene: MSH6 (mutS homolog 6; plus strand). Cytogenetic location: 2p16.3.
Variant type: Duplication.
Coding change: c.3726dup on transcript NM_000179.3 (MANE Select); coding-DNA position 3726, one base duplicated (T; older notation c.3726dupT).
Protein change: p.Thr1243fs; shifts the reading frame from threonine 1243.
Molecular consequence: frameshift variant. On other transcripts: non-coding transcript variant (5).
Genome position (GRCh38, 1-based): chr2:47,806,283, T duplicated. VCF-style (leftmost placement, unchanged base first): chr2-47806282-G-GT. GRCh37 (hg19) VCF-style: chr2-48033421-G-GT.
Other names: c.3336dup, p.Thr1113fs (NM_001281492.2); c.2820dup, p.Thr941fs (NM_001281493.2, NM_001281494.2, NM_001406811.1 and 6 more transcripts); c.3822dup, p.Thr1275fs (NM_001406795.1, NM_001406802.1); c.3726dup, p.Thr1243fs (NM_001406796.1, NM_001406800.1, NM_001406808.1 and 1 more transcripts); c.3429dup, p.Thr1144fs (NM_001406797.1, NM_001406801.1, NM_001406805.1 and 10 more transcripts); c.3552dup, p.Thr1185fs (NM_001406798.1); c.3201dup, p.Thr1068fs (NM_001406799.1, NM_001406806.1, NM_001406807.1); c.2862dup, p.Thr955fs (NM_001406803.1); and 7 more; short protein forms T1068fs, T1113fs, T1144fs, T1185fs, T1187fs, T1217fs, T1243fs, T1245fs.
Identifiers: ClinVar variation 2673614 (VCV002673614.1), dbSNP rs2530843392, ClinGen allele CA2695200607.